The following is an entry in ClinVar:

ClinVar aggregate classification (germline): Uncertain significance. Review status: criteria provided, multiple submitters, no conflicts (2 of 4 stars). 2 submissions from 2 submitters: Uncertain significance (2). Last evaluated 2026-01-30.

Allele frequency attached by ClinVar (database versions not stated): ExAC 0.00029; gnomAD exomes 0.00030; gnomAD 0.00063 and 0.00067; 1000 Genomes Project 30x 0.00078; 1000 Genomes Project 0.00080; TOPMed 0.00080; ESP Exome Variant Server 0.00092.
gnomAD v4.1: 505 of 1,613,396 alleles (0.031%); highest among the groups gnomAD compares: Middle Eastern, 0.17%; no homozygotes.

Submissions (2):

Women's Health and Genetics/Laboratory Corporation of America, LabCorp
Classification: Uncertain significance. Last evaluated: 2026-01-30. Review status: criteria provided, single submitter. Criteria: LabCorp Variant Classification Summary - May 2015. Collection method: clinical testing. Allele origin: germline.
Comment: Variant summary: C8A c.319C>T (p.Arg107Cys) results in a non-conservative amino acid change in the encoded protein sequence. Algorithms developed to predict the effect of missense changes on protein structure and function all suggest that this variant is likely to be disruptive. The variant allele was found at a frequency of 0.0003 in 250382 control chromosomes. This frequency is not significantly higher than estimated for disease-causing variants in C8A, allowing no conclusion about variant significance. To our knowledge, no occurrence of c.319C>T in individuals affected with C8A-related conditions and no experimental evidence demonstrating its impact on protein function have been reported. ClinVar contains an entry for this variant (Variation ID: 1056494). Based on the evidence outlined above, the variant was classified as uncertain significance.

Labcorp Genetics (formerly Invitae), Labcorp
Classification: Uncertain significance. Last evaluated: 2022-08-16. Review status: criteria provided, single submitter. Criteria: Invitae Variant Classification Sherloc (09022015). Collection method: clinical testing. Allele origin: germline.
Comment: This sequence change replaces arginine, which is basic and polar, with cysteine, which is neutral and slightly polar, at codon 107 of the C8A protein (p.Arg107Cys). This variant is present in population databases (rs139141074, gnomAD 0.1%). This variant has not been reported in the literature in individuals affected with C8A-related conditions. ClinVar contains an entry for this variant (Variation ID: 1056494). Algorithms developed to predict the effect of missense changes on protein structure and function (SIFT, PolyPhen-2, Align-GVGD) all suggest that this variant is likely to be disruptive. In summary, the available evidence is currently insufficient to determine the role of this variant in disease. Therefore, it has been classified as a Variant of Uncertain Significance.

NM_000562.3(C8A):c.319C>T (p.Arg107Cys)

Gene: C8A (complement C8 alpha chain; plus strand). Cytogenetic location: 1p32.2.
Variant type: single nucleotide variant.
Coding change: c.319C>T on transcript NM_000562.3 (MANE Select); coding-DNA position 319, C replaced by T.
Protein change: p.Arg107Cys; replaces arginine 107 with cysteine.
Molecular consequence: missense variant.
Genome position (GRCh38, 1-based): chr1:56,876,064, C>T. VCF-style: chr1-56876064-C-T. GRCh37 (hg19) VCF-style: chr1-57341737-C-T.
Other names: short protein forms R107C.
Identifiers: ClinVar variation 1056494 (VCV001056494.5), dbSNP rs139141074, ClinGen allele CA875004.